The following is an entry in ClinVar:

ClinVar aggregate classification (germline): Uncertain significance (1 of 4 stars; one submission).

Conditions:
Familial thoracic aortic aneurysm and aortic dissection (TAAD). Also called: Thoracic aortic aneurysms and dissections. Identifiers: Orphanet 91387, MedGen C4707243, MONDO:0019625.
Hereditary cancer-predisposing syndrome. Also called: Tumor predisposition; Hereditary Cancer Syndrome; Neoplastic Syndromes, Hereditary; Hereditary neoplastic syndrome. Identifiers: Orphanet 140162, MedGen C0027672, MeSH D009386, MONDO:0015356.

Allele frequency attached by ClinVar (database versions not stated): gnomAD exomes below 0.00001.
gnomAD v4.1: 1 of 1,614,108 alleles (0.000062%); highest among the groups gnomAD compares: Non-Finnish European, 0.000085%; no homozygotes.

Submission:

Ambry Genetics
Classification: Uncertain significance for Hereditary cancer-predisposing syndrome; Familial thoracic aortic aneurysm and aortic dissection. Last evaluated: 2025-05-29. Review status: criteria provided, single submitter. Criteria: Ambry Variant Classification Scheme 2023. Collection method: clinical testing. Allele origin: germline.
Comment: The p.Q28R variant (also known as c.83A>G), located in coding exon 1 of the SMAD4 gene, results from an A to G substitution at nucleotide position 83. The glutamine at codon 28 is replaced by arginine, an amino acid with highly similar properties. This amino acid position is highly conserved in available vertebrate species. In addition, the in silico prediction for this alteration is inconclusive. Based on the available evidence, the clinical significance of this variant remains unclear.

NM_005359.6(SMAD4):c.83A>G (p.Gln28Arg)

Gene: SMAD4 (SMAD family member 4; plus strand). Cytogenetic location: 18q21.2.
Variant type: single nucleotide variant.
Coding change: c.83A>G on transcript NM_005359.6 (MANE Select); coding-DNA position 83, A replaced by G.
Protein change: p.Gln28Arg; replaces glutamine 28 with arginine.
Molecular consequence: missense variant.
Genome position (GRCh38, 1-based): chr18:51,047,129, A>G. VCF-style: chr18-51047129-A-G. GRCh37 (hg19) VCF-style: chr18-48573499-A-G.
Other names: short protein forms Q28R.
Identifiers: ClinVar variation 822385 (VCV000822385.5), dbSNP rs1599181096, ClinGen allele CA402457548.